The following is an entry in ClinVar:

ClinVar aggregate classification (germline): Uncertain significance (1 of 4 stars; one submission).

Conditions:
VWA2-related disorder. Also called: VWA2-related condition.

Allele frequency attached by ClinVar (database versions not stated): ExAC 0.00001; gnomAD exomes 0.00001; gnomAD 0.00002; TOPMed 0.00002.
gnomAD v4.1: 8 of 1,604,988 alleles (0.0005%); highest among the groups gnomAD compares: Non-Finnish European, 0.00068%; no homozygotes.

Submission:

PreventionGenetics, part of Exact Sciences
Classification: Uncertain significance for VWA2-related condition. Last evaluated: 2023-07-28. Review status: criteria provided, single submitter. Criteria: ACMG Guidelines, 2015. Collection method: clinical testing. Allele origin: germline.
Comment: The VWA2 c.959G>A variant is predicted to result in the amino acid substitution p.Cys320Tyr. To our knowledge, this variant has not been reported in the literature. This variant is reported in 0.0018% of alleles in individuals of European (Non-Finnish) descent in gnomAD. At this time, the clinical significance of this variant is uncertain due to the absence of conclusive functional and genetic evidence.

NM_001272046.2(VWA2):c.959G>A (p.Cys320Tyr)

Genes: AFAP1L2 (actin filament associated protein 1 like 2; minus strand), VWA2 (von Willebrand factor A domain containing 2; plus strand). Cytogenetic location: 10q25.3.
Variant type: single nucleotide variant.
Coding change: c.959G>A on transcript NM_001272046.2 (MANE Select); coding-DNA position 959, G replaced by A.
Protein change: p.Cys320Tyr; replaces cysteine 320 with tyrosine.
Molecular consequence: missense variant.
Genome position (GRCh38, 1-based): chr10:114,284,932, G>A. VCF-style: chr10-114284932-G-A. GRCh37 (hg19) VCF-style: chr10-116044691-G-A.
Other names: c.959G>A, p.Cys320Tyr (NM_001320804.1); short protein forms C320Y.
Identifiers: ClinVar variation 2635682 (VCV002635682.1), dbSNP rs764073583, ClinGen allele CA5700535.